The following is an entry in ClinVar:

ClinVar aggregate classification (germline): Uncertain significance (1 of 4 stars; one submission).

Conditions:
VPS13A-related neurodegenerative disease. Also called: LEVINE-CRITCHLEY SYNDROME; Choreoacanthocytosis; Chorea-acanthocytosis; VPS13A Disease; Choreaacanthocytosis; ACANTHOCYTOSIS WITH NEUROLOGIC DISORDER. Identifiers: Orphanet 2388, MedGen C0393576, MONDO:0008695, OMIM 200150.

gnomAD v4.1: 1 of 152,168 alleles (0.00066%); highest among the groups gnomAD compares: Admixed American, 0.0065%; no homozygotes.

Submission:

Laboratorio de Genetica e Diagnostico Molecular, Hospital Israelita Albert Einstein
Classification: Uncertain significance for VPS13A-related neurodegenerative disease. Last evaluated: 2025-04-29. Review status: criteria provided, single submitter. Criteria: ACMG Guidelines, 2015. Collection method: clinical testing. Allele origin: germline. Affected: yes.
Comment: ACMG classification criteria: PM2 supporting, PP3 supporting

NM_033305.3(VPS13A):c.3339+902A>G

Gene: VPS13A (vacuolar protein sorting 13 homolog A; plus strand). Cytogenetic location: 9q21.2.
Variant type: single nucleotide variant.
Coding change: c.3339+902A>G on transcript NM_033305.3 (MANE Select); 902 bases into the intron after coding-DNA position 3339, A replaced by G.
Molecular consequence: intron variant.
Genome position (GRCh38, 1-based): chr9:77,284,552, A>G. VCF-style: chr9-77284552-A-G. GRCh37 (hg19) VCF-style: chr9-79899468-A-G.
Other names: c.3222+902A>G (NM_001018037.2); c.3339+902A>G (NM_015186.4, NM_001018038.3).
Identifiers: ClinVar variation 4076298 (VCV004076298.1).